The following is an entry in ClinVar:

NM_000203.5(IDUA):c.309dup (p.Gly104fs)

Gene: IDUA (alpha-L-iduronidase; plus strand). Cytogenetic location: 4p16.3.
Variant type: Duplication.
Coding change: c.309dup on transcript NM_000203.5 (MANE Select); coding-DNA position 309, one base duplicated (T; older notation c.309dupT).
Protein change: p.Gly104fs; shifts the reading frame from glycine 104.
Molecular consequence: frameshift variant. On other transcripts: 5 prime UTR variant (1), non-coding transcript variant (1).
Genome position (GRCh38, 1-based): chr4:1,000,621, T duplicated. VCF-style (leftmost placement, unchanged base first): chr4-1000620-C-CT. GRCh37 (hg19) VCF-style: chr4-994408-C-CT.
Other names: c.-88dup (NM_001363576.1); short protein forms G104fs.
Identifiers: ClinVar variation 5011995 (VCV005011995.1).

ClinVar aggregate classification (germline): Pathogenic (1 of 4 stars; one submission).

Conditions:
Mucopolysaccharidosis type 1. Also called: IDUA deficiency; MPS I; Mucopolysaccharidosis Type I. Identifiers: Orphanet 579, MedGen C0023786, MONDO:0001586.

Submission:

Myriad Genetics, Inc.
Classification: Pathogenic for Mucopolysaccharidosis type 1. Last evaluated: 2023-09-27. Review status: criteria provided, single submitter. Criteria: Myriad Autosomal Dominant, Autosomal Recessive and X-Linked Classification Criteria (2023). Collection method: clinical testing. Allele origin: unknown.
Comment: NM_000203.3(IDUA):c.309dupT(G104Wfs*28) is expected to be pathogenic in the context of mucopolysaccharidosis type I. This variant is predicted to lead to an abnormal or absent protein product due to the creation of a premature termination codon in IDUA, a gene where loss-of-function variants are known to be pathogenic. Please note: this variant was assessed in the context of healthy population screening.